The following is an entry in ClinVar:

ClinVar aggregate classification (germline): Uncertain significance. Review status: criteria provided, multiple submitters, no conflicts (2 of 4 stars). 2 submissions from 2 submitters: Uncertain significance (2). Last evaluated 2022-05-25.

Conditions:
Inborn genetic diseases. Identifiers: MedGen C0950123, MeSH D030342.

Allele frequency attached by ClinVar (database versions not stated): gnomAD exomes below 0.00001; TOPMed below 0.00001.

Submissions (2):

Ambry Genetics
Classification: Uncertain significance for Inborn genetic diseases. Last evaluated: 2022-05-25. Review status: criteria provided, single submitter. Criteria: Ambry Variant Classification Scheme 2023. Collection method: clinical testing. Allele origin: germline.
Comment: The p.A177T variant (also known as c.529G>A), located in coding exon 5 of the MDH2 gene, results from a G to A substitution at nucleotide position 529. The alanine at codon 177 is replaced by threonine, an amino acid with similar properties. This amino acid position is conserved. In addition, this alteration is predicted to be deleterious by in silico analysis. Since supporting evidence is limited at this time, the clinical significance of this alteration remains unclear.

Labcorp Genetics (formerly Invitae), Labcorp
Classification: Uncertain significance. Last evaluated: 2022-05-20. Review status: criteria provided, single submitter. Criteria: Invitae Variant Classification Sherloc (09022015). Collection method: clinical testing. Allele origin: germline.
Comment: In summary, the available evidence is currently insufficient to determine the role of this variant in disease. Therefore, it has been classified as a Variant of Uncertain Significance. Algorithms developed to predict the effect of missense changes on protein structure and function are either unavailable or do not agree on the potential impact of this missense change (SIFT: "Deleterious"; PolyPhen-2: "Probably Damaging"; Align-GVGD: "Class C0"). This variant has not been reported in the literature in individuals affected with MDH2-related conditions. This sequence change replaces alanine, which is neutral and non-polar, with threonine, which is neutral and polar, at codon 177 of the MDH2 protein (p.Ala177Thr). This variant is not present in population databases (gnomAD no frequency).

NM_005918.4(MDH2):c.529G>A (p.Ala177Thr)

Gene: MDH2 (malate dehydrogenase 2; plus strand). Cytogenetic location: 7q11.23.
Variant type: single nucleotide variant.
Coding change: c.529G>A on transcript NM_005918.4 (MANE Select); coding-DNA position 529, G replaced by A.
Protein change: p.Ala177Thr; replaces alanine 177 with threonine.
Molecular consequence: missense variant. On other transcripts: intron variant (1).
Genome position (GRCh38, 1-based): chr7:76,060,472, G>A. VCF-style: chr7-76060472-G-A. GRCh37 (hg19) VCF-style: chr7-75689790-G-A.
Other names: c.208G>A, p.Ala70Thr (NM_001282404.2); c.429+2394G>A (NM_001282403.2); short protein forms A177T, A70T.
Identifiers: ClinVar variation 1746674 (VCV001746674.7), dbSNP rs1797915284, ClinGen allele CA367765095.